The following is an entry in ClinVar:

NM_002880.4(RAF1):c.781C>A (p.Pro261Thr)

Gene: RAF1 (Raf-1 proto-oncogene, serine/threonine kinase; minus strand). Cytogenetic location: 3p25.2.
Variant type: single nucleotide variant.
Coding change: c.781C>A on transcript NM_002880.4 (MANE Select); coding-DNA position 781, C replaced by A.
Protein change: p.Pro261Thr; replaces proline 261 with threonine.
Molecular consequence: missense variant. On other transcripts: non-coding transcript variant (3).
Genome position (GRCh38, 1-based): chr3:12,604,189, G>T on the plus strand (C>A on the coding strand, the complement: RAF1 is on the minus strand). VCF-style: chr3-12604189-G-T. GRCh37 (hg19) VCF-style: chr3-12645688-G-T.
Other names: c.781C>A, p.Pro261Thr (NM_001354689.3, NM_001354690.3); c.538C>A, p.Pro180Thr (NM_001354691.3, NM_001354692.3, NM_001354694.3); c.682C>A, p.Pro228Thr (NM_001354693.3); c.439C>A, p.Pro147Thr (NM_001354695.3); short protein forms P261T, P147T, P180T, P228T.
Identifiers: ClinVar variation 40604 (VCV000040604.21), dbSNP rs121434594, ClinGen allele CA250285.

ClinVar aggregate classification (germline): Pathogenic/Likely pathogenic. Review status: criteria provided, multiple submitters, no conflicts (2 of 4 stars). 6 submissions from 6 submitters: Pathogenic (3); Likely pathogenic (1). 2 of the submissions do not count toward it. Last evaluated 2025-04-10.

Conditions:
Noonan syndrome and Noonan-related syndrome. Identifiers: Orphanet 98733, MedGen C5681679, MONDO:0020297.
RASopathy. Also called: Noonan spectrum disorder; rasopathies. Identifiers: Orphanet 536391, MedGen C5555857, MONDO:0021060.
Noonan syndrome 1 (NS1). Also called: FEMALE PSEUDO-TURNER SYNDROME; PTPN11-Related Noonan Syndrome; TURNER PHENOTYPE WITH NORMAL KARYOTYPE. Identifiers: Orphanet 648, MedGen C4551602, MONDO:0008104, OMIM 163950. Disease mechanism: gain of function.
Noonan syndrome (NS). Also called: Noonan's syndrome. Identifiers: Orphanet 648, MedGen C0028326, MeSH D009634, MONDO:0018997. Disease mechanism: gain of function.

Submissions (6):

Labcorp Genetics (formerly Invitae), Labcorp
Classification: Pathogenic for RASopathy. Last evaluated: 2025-04-10. Review status: criteria provided, single submitter. Criteria: Invitae Variant Classification Sherloc (09022015). Collection method: clinical testing. Allele origin: germline.
Comment: This sequence change replaces proline, which is neutral and non-polar, with threonine, which is neutral and polar, at codon 261 of the RAF1 protein (p.Pro261Thr). This variant is not present in population databases (gnomAD no frequency). This missense change has been observed in individuals with Noonan syndrome (PMID: 21784453, 22465605, 29084544). ClinVar contains an entry for this variant (Variation ID: 40604). Invitae Evidence Modeling incorporating data from in vitro experimental studies (internal data) indicates that this missense variant is expected to disrupt RAF1 function with a positive predictive value of 95%. This variant disrupts the p.Pro261 amino acid residue in RAF1. Other variant(s) that disrupt this residue have been determined to be pathogenic (PMID: 17603482, 17603483, 20683980). This suggests that this residue is clinically significant, and that variants that disrupt this residue are likely to be disease-causing. For these reasons, this variant has been classified as Pathogenic.

Women's Health and Genetics/Laboratory Corporation of America, LabCorp
Classification: Pathogenic for RASopathy. Last evaluated: 2024-03-25. Review status: criteria provided, single submitter. Criteria: LabCorp Variant Classification Summary - May 2015. Collection method: clinical testing. Allele origin: germline.
Comment: Variant summary: RAF1 c.781C>A (p.Pro261Thr) results in a non-conservative amino acid change in the encoded protein sequence. Five of five in-silico tools predict a damaging effect of the variant on protein function. The variant was absent in 251468 control chromosomes. c.781C>A has been reported in the literature in individuals affected with Noonan Syndrome (e.g. Chen_2019, Lee_2011) and also observed as de novo (Chen_2019). In addition, several other missense variants (p.Pro261His, p.Pro261Leu, p.Pro261Arg, p.Pro261Ala, p.Pro261Ser) have been classified on the pathogenic spectrum internally and in ClinVar. To our knowledge, no experimental evidence demonstrating an impact on protein function has been reported. The following publications have been ascertained in the context of this evaluation (PMID: 21784453, 30732632). ClinVar contains an entry for this variant (Variation ID: 40604). Based on the evidence outlined above, the variant was classified as pathogenic.

Genome Diagnostics Laboratory, The Hospital for Sick Children
Classification: Likely pathogenic for Noonan syndrome and Noonan-related syndrome. Last evaluated: 2019-06-01. Review status: criteria provided, single submitter. Criteria: ACMG Guidelines, 2015. Collection method: clinical testing. Allele origin: germline. Affected: yes.

Laboratory for Molecular Medicine, Mass General Brigham Personalized Medicine
Classification: Pathogenic for Noonan syndrome. Last evaluated: 2011-04-15. Review status: criteria provided, single submitter. Criteria: LMM Criteria. Collection method: clinical testing. Allele origin: germline. Observed: 2 variant alleles.
Comment: The Pro261Thr variant has not been previously reported in the literature. In addition, proline (Pro) at codon 261 is a highly conserved amino acid and other missense variants at this position (Pro261Ala, Pro261Leu, P ro261Arg, Pro261Ser) have previously been associated with Noonan syndrome (Razza que 2007, Pandit 2007). Therefore, the Pro261Thr variant is highly likely to be pathogenic. Individuals with pathogenic variants in exon 7 or 17 in RAF1 have a high incidence of hypertrophic cardiomyopathy (80-95%, Razzaque 2007).

Baylor Genetics
Classification: Pathogenic for Rasopathy. Review status: no assertion criteria provided. Collection method: clinical testing. Allele origin: unknown. Affected: yes. Not counted in ClinVar's aggregate classification.
Comment: Variant classified using ACMG guidelines

Division of Human Genetics, National Health Laboratory Service/University of the Witwatersrand
Classification: Pathogenic for Noonan syndrome 1. Review status: no assertion criteria provided. Collection method: research. Allele origin: unknown. Affected: yes. Observed: 1 variant allele. Not counted in ClinVar's aggregate classification.

Literature cited by the submitters: PubMed 21784453 (cited by 3 submitters); PubMed 22465605 (cited by Labcorp Genetics (formerly Invitae), Labcorp); PubMed 29084544 (cited by Labcorp Genetics (formerly Invitae), Labcorp); PubMed 17603482 (cited by Labcorp Genetics (formerly Invitae), Labcorp); PubMed 17603483 (cited by Labcorp Genetics (formerly Invitae), Labcorp); PubMed 20683980 (cited by Labcorp Genetics (formerly Invitae), Labcorp); PubMed 30732632 (cited by Women's Health and Genetics/Laboratory Corporation of America, LabCorp).